The following is an entry in ClinVar:

ClinVar aggregate classification (germline): Conflicting classifications of pathogenicity. Review status: criteria provided, conflicting classifications (1 of 4 stars). 3 submissions from 3 submitters: Uncertain significance (2); Likely benign (1). Last evaluated 2025-08-19.

Conditions:
TPM1-related disorder. Also called: TPM1-related condition.
Hypertrophic cardiomyopathy 3. Also called: TPM1-Related Familial Hypertrophic Cardiomyopathy. Identifiers: MedGen C1861863, MONDO:0007267, OMIM 115196.
Dilated cardiomyopathy 1Y (CMD1Y). Identifiers: Orphanet 154, Orphanet 54260, MedGen C2678476, MONDO:0012744, OMIM 611878.
Cardiomyopathy (CMYO). Also called: Cardiomyopathies. Identifiers: Orphanet 167848, MedGen C0878544, MONDO:0004994, HP:0001638. Inheritance: Various modes of inheritance.

Allele frequency attached by ClinVar (database versions not stated): gnomAD 0.00001; TOPMed 0.00004.
gnomAD v4.1: 77 of 1,612,004 alleles (0.0048%); highest among the groups gnomAD compares: Admixed American, 0.022%; no homozygotes.

Submissions (3):

PreventionGenetics, part of Exact Sciences
Classification: Likely benign for TPM1-related condition. Last evaluated: 2025-08-19. Review status: criteria provided, single submitter. Criteria: ACMG Guidelines, 2015. Collection method: clinical testing. Allele origin: germline.
Comment: This variant is classified as likely benign based on ACMG/AMP sequence variant interpretation guidelines (Richards et al. 2015 PMID: 25741868, with internal and published modifications).

Color Diagnostics, LLC DBA Color Health
Classification: Uncertain significance for Cardiomyopathy. Last evaluated: 2023-10-09. Review status: criteria provided, single submitter. Criteria: ACMG Guidelines, 2015. Collection method: clinical testing. Allele origin: germline.
Comment: This variant is located in the 5' untranslated region of the TPM1 gene. To our knowledge, functional studies have not been reported for this variant. This variant has not been reported in individuals affected with TPM1-related disorders in the literature. This variant has been identified in 14/246864 chromosomes in the general population by the Genome Aggregation Database (gnomAD). The available evidence is insufficient to determine the role of this variant in disease conclusively. Therefore, this variant is classified as a Variant of Uncertain Significance.

Fulgent Genetics
Classification: Uncertain significance for Hypertrophic cardiomyopathy 3; Dilated cardiomyopathy 1Y. Last evaluated: 2021-10-05. Review status: criteria provided, single submitter. Criteria: ACMG Guidelines, 2015. Collection method: clinical testing. Allele origin: unknown.

NM_001018005.2(TPM1):c.-7C>A

Gene: TPM1 (tropomyosin 1; plus strand). Cytogenetic location: 15q22.2.
Variant type: single nucleotide variant.
Coding change: c.-7C>A on transcript NM_001018005.2 (MANE Select); 7 bases upstream of the start codon, C replaced by A.
Molecular consequence: 5 prime UTR variant.
Genome position (GRCh38, 1-based): chr15:63,042,823, C>A. VCF-style: chr15-63042823-C-A. GRCh37 (hg19) VCF-style: chr15-63335022-C-A.
Other names: c.-7C>A (NM_000366.6, NM_001018004.2, NM_001018006.2 and 7 more transcripts).
Identifiers: ClinVar variation 926041 (VCV000926041.7), dbSNP rs370871307, ClinGen allele CA034255.